The following is an entry in ClinVar:

NM_000051.4(ATM):c.5151C>A (p.Tyr1717Ter)

Gene: ATM (ATM serine/threonine kinase; plus strand). Cytogenetic location: 11q22.3.
Variant type: single nucleotide variant.
Coding change: c.5151C>A on transcript NM_000051.4 (MANE Select); coding-DNA position 5151, C replaced by A.
Protein change: p.Tyr1717Ter; replaces tyrosine 1717 with a stop codon.
Molecular consequence: nonsense.
Genome position (GRCh38, 1-based): chr11:108,299,859, C>A. VCF-style: chr11-108299859-C-A. GRCh37 (hg19) VCF-style: chr11-108170586-C-A.
Other names: c.5151C>A, p.Tyr1717Ter (NM_001351834.2); short protein forms Y1717*.
Identifiers: ClinVar variation 4814560 (VCV004814560.1).

ClinVar aggregate classification (germline): Likely pathogenic (1 of 4 stars; one submission).

Conditions:
Ataxia-telangiectasia syndrome (AT). Also called: Ataxia-telangiectasia, complementation group E; Ataxia telangiectasia (A-T); LOUIS-BAR SYNDROME; Ataxia-telangiectasia, complementation group D; AT, COMPLEMENTATION GROUP C; ATAXIA-TELANGIECTASIA, COMPLEMENTATION GROUP A. Identifiers: Orphanet 100, MedGen C0004135, MONDO:0008840, OMIM 208900.

Submission:

Natera, Inc.
Classification: Likely pathogenic for Ataxia-telangiectasia. Last evaluated: 2025-11-04. Review status: criteria provided, single submitter. Criteria: Natera Variant Classification Schema (03/2026). Collection method: clinical testing. Allele origin: germline.
Comment: The c.5151C>A variant in ATM is a nonsense variant predicted to introduce a stop codon at amino acid 1717. This variant is expected to result in nonsense mediated decay, truncation, or a dysfunctional protein product. This variant is rare in the general population with a frequency below the threshold expected for the associated phenotype(s). Given the available evidence, this variant is classified as Likely Pathogenic.